The following is an entry in ClinVar:

NM_000796.6(DRD3):c.-333G>A

Gene: DRD3 (dopamine receptor D3; minus strand). Cytogenetic location: 3q13.31.
Variant type: single nucleotide variant.
Coding change: c.-333G>A on transcript NM_000796.6 (MANE Select); 333 bases upstream of the start codon, G replaced by A.
Molecular consequence: 5 prime UTR variant. On other transcripts: intron variant (1).
Genome position (GRCh38, 1-based): chr3:114,178,954, C>T on the plus strand (G>A on the coding strand, the complement: DRD3 is on the minus strand). VCF-style: chr3-114178954-C-T. GRCh37 (hg19) VCF-style: chr3-113897801-C-T.
Other names: c.-333G>A (NM_033663.6); c.-155-178G>A (NM_001282563.2).
Identifiers: ClinVar variation 342612 (VCV000342612.6), dbSNP rs36212175, ClinGen allele CA10616871.

ClinVar aggregate classification (germline): Benign. Review status: criteria provided, multiple submitters, no conflicts (2 of 4 stars). 2 submissions from 2 submitters: Benign (2). Last evaluated 2018-01-13.

Conditions:
Tremor, hereditary essential, 1 (ETM1). Also called: Familial essential tremor. Identifiers: MedGen C1860861, MONDO:0008590, OMIM 190300.

Allele frequency attached by ClinVar (database versions not stated): TOPMed 0.06329; gnomAD 0.06630 and 0.06764; 1000 Genomes Project 30x 0.07355; 1000 Genomes Project 0.07528.

Submissions (2):

Illumina Laboratory Services, Illumina
Classification: Benign for Tremor, hereditary essential, 1. Last evaluated: 2018-01-13. Review status: criteria provided, single submitter. Criteria: ICSL Variant Classification Criteria 13 December 2019. Collection method: clinical testing. Allele origin: germline.
Comment: This variant was observed in the ICSL laboratory as part of a predisposition screen in an ostensibly healthy population. It had not been previously curated by ICSL or reported in the Human Gene Mutation Database (HGMD: prior to June 1st, 2018), and was therefore a candidate for classification through an automated scoring system. Utilizing variant allele frequency, disease prevalence and penetrance estimates, and inheritance mode, an automated score was calculated to assess if this variant is too frequent to cause the disease. Based on the score and internal cut-off values, a variant classified as benign is not then subjected to further curation. The score for this variant resulted in a classification of benign for this disease.

Breakthrough Genomics
Classification: Benign. Review status: criteria provided, single submitter. Criteria: ACMG Guidelines, 2015. Collection method: not provided. Allele origin: germline. Inheritance: Autosomal dominant inheritance. Affected: yes.